The following is an entry in ClinVar:

NM_001363711.2(DUOX2):c.2110C>T (p.Arg704Cys)

Gene: DUOX2 (dual oxidase 2; minus strand). Cytogenetic location: 15q21.1.
Variant type: single nucleotide variant.
Coding change: c.2110C>T on transcript NM_001363711.2 (MANE Select); coding-DNA position 2110, C replaced by T.
Protein change: p.Arg704Cys; replaces arginine 704 with cysteine.
Molecular consequence: missense variant.
Genome position (GRCh38, 1-based): chr15:45,106,163, G>A on the plus strand (C>T on the coding strand, the complement: DUOX2 is on the minus strand). VCF-style: chr15-45106163-G-A. GRCh37 (hg19) VCF-style: chr15-45398361-G-A.
Other names: c.2110C>T, p.Arg704Cys (NM_014080.5); short protein forms R704C.
Identifiers: ClinVar variation 2688980 (VCV002688980.5), dbSNP rs759813792, ClinGen allele CA7538383.

ClinVar aggregate classification (germline): Uncertain significance. Review status: criteria provided, multiple submitters, no conflicts (2 of 4 stars). 3 submissions from 3 submitters: Uncertain significance (3). Last evaluated 2024-10-19.

Conditions:
Inborn genetic diseases. Identifiers: MedGen C0950123, MeSH D030342.
Thyroid dyshormonogenesis 6 (TDH6). Also called: THYROID HORMONOGENESIS, GENETIC DEFECT IN, 6; Genetic transient congenital hypothyroidism; HYPOTHYROIDISM, CONGENITAL, DUE TO DYSHORMONOGENESIS, 6. Identifiers: Orphanet 226316, Orphanet 95716, MedGen C1846632, MONDO:0011792, OMIM 607200.

Allele frequency attached by ClinVar (database versions not stated): TOPMed below 0.00001; ExAC 0.00001; gnomAD 0.00001; gnomAD exomes 0.00003.

Submissions (3):

Ambry Genetics
Classification: Uncertain significance for Inborn genetic diseases. Last evaluated: 2024-10-19. Review status: criteria provided, single submitter. Criteria: Ambry Variant Classification Scheme 2023. Collection method: clinical testing. Allele origin: germline.

Labcorp Genetics (formerly Invitae), Labcorp
Classification: Uncertain significance. Last evaluated: 2024-02-19. Review status: criteria provided, single submitter. Criteria: Invitae Variant Classification Sherloc (09022015). Collection method: clinical testing. Allele origin: germline.
Comment: This sequence change replaces arginine, which is basic and polar, with cysteine, which is neutral and slightly polar, at codon 704 of the DUOX2 protein (p.Arg704Cys). The frequency data for this variant in the population databases is considered unreliable, as metrics indicate poor data quality at this position in the gnomAD database. This variant has not been reported in the literature in individuals affected with DUOX2-related conditions. Advanced modeling of protein sequence and biophysical properties (such as structural, functional, and spatial information, amino acid conservation, physicochemical variation, residue mobility, and thermodynamic stability) performed at Invitae indicates that this missense variant is not expected to disrupt DUOX2 protein function with a negative predictive value of 80%. In summary, the available evidence is currently insufficient to determine the role of this variant in disease. Therefore, it has been classified as a Variant of Uncertain Significance.

Revvity Omics, Revvity
Classification: Uncertain significance for Thyroid dyshormonogenesis 6. Last evaluated: 2023-02-02. Review status: criteria provided, single submitter. Criteria: ACMG Guidelines, 2015. Collection method: clinical testing. Allele origin: germline.